The following is an entry in ClinVar:

NM_003106.4(SOX2):c.92G>T (p.Gly31Val)

Genes: SOX2 (SRY-box transcription factor 2; plus strand), SOX2-OT (SOX2 overlapping transcript; plus strand), LOC108281177 (SOX2 5' regulatory region; plus strand). Cytogenetic location: 3q26.33.
Variant type: single nucleotide variant.
Coding change: c.92G>T on transcript NM_003106.4 (MANE Select); coding-DNA position 92, G replaced by T.
Protein change: p.Gly31Val; replaces glycine 31 with valine.
Molecular consequence: missense variant.
Genome position (GRCh38, 1-based): chr3:181,712,452, G>T. VCF-style: chr3-181712452-G-T. GRCh37 (hg19) VCF-style: chr3-181430240-G-T.
Other names: short protein forms G31V.
Identifiers: ClinVar variation 3710122 (VCV003710122.3).

ClinVar aggregate classification (germline): Uncertain significance. Review status: criteria provided, multiple submitters, no conflicts (2 of 4 stars). 2 submissions from 2 submitters: Uncertain significance (2). Last evaluated 2025-05-12.

Conditions:
Anophthalmia/microphthalmia-esophageal atresia syndrome (MCOPS3). Also called: AEG SYNDROME; SOX2 Disorder; MICROPHTHALMIA AND ESOPHAGEAL ATRESIA SYNDROME. Identifiers: Orphanet 77298, MedGen C1859773, MONDO:0008799, OMIM 206900.

Submissions (2):

GeneDx
Classification: Uncertain significance. Last evaluated: 2025-05-12. Review status: criteria provided, single submitter. Criteria: GeneDx Variant Classification Process June 2021. Collection method: clinical testing. Allele origin: germline. Affected: yes.
Comment: In silico analysis supports that this missense variant has a deleterious effect on protein structure/function; Has not been previously published as pathogenic or benign to our knowledge

Labcorp Genetics (formerly Invitae), Labcorp
Classification: Uncertain significance for Anophthalmia/microphthalmia-esophageal atresia syndrome. Last evaluated: 2024-08-13. Review status: criteria provided, single submitter. Criteria: Invitae Variant Classification Sherloc (09022015). Collection method: clinical testing. Allele origin: germline.
Comment: This sequence change replaces glycine, which is neutral and non-polar, with valine, which is neutral and non-polar, at codon 31 of the SOX2 protein (p.Gly31Val). This variant is present in population databases (rs768528466, gnomAD 0.01%). This variant has not been reported in the literature in individuals affected with SOX2-related conditions. Invitae Evidence Modeling of protein sequence and biophysical properties (such as structural, functional, and spatial information, amino acid conservation, physicochemical variation, residue mobility, and thermodynamic stability) indicates that this missense variant is not expected to disrupt SOX2 protein function with a negative predictive value of 80%. In summary, the available evidence is currently insufficient to determine the role of this variant in disease. Therefore, it has been classified as a Variant of Uncertain Significance.